The following is an entry in ClinVar:

ClinVar aggregate classification (germline): Likely benign. Review status: criteria provided, multiple submitters, no conflicts (2 of 4 stars). 2 submissions from 2 submitters: Likely benign (2). Last evaluated 2022-11-02.

Conditions:
Emery-Dreifuss muscular dystrophy 4, autosomal dominant (EDMD4). Also called: EMERY-DREIFUSS MUSCULAR DYSTROPHY 4 WITH VARIABLE FEATURES. Identifiers: Orphanet 261, MedGen C2751807, MONDO:0013071, OMIM 612998.
Autosomal recessive ataxia, Beauce type. Also called: SYNE1 Deficiency; Spinocerebellar ataxia, autosomal recessive 8; ATAXIA, RECESSIVE, OF BEAUCE; SYNE1-Related Autosomal Recessive Cerebellar Ataxia. Identifiers: Orphanet 88644, MedGen C1853116, MONDO:0012549, OMIM 610743.

Allele frequency attached by ClinVar (database versions not stated): gnomAD 0.00001; gnomAD exomes 0.00003; ExAC 0.00004.
gnomAD v4.1: 29 of 1,611,822 alleles (0.0018%); highest among the groups gnomAD compares: South Asian, 0.032%; 1 homozygote.

Submissions (2):

Labcorp Genetics (formerly Invitae), Labcorp
Classification: Likely benign for Emery-Dreifuss muscular dystrophy 4, autosomal dominant; Autosomal recessive ataxia, Beauce type. Last evaluated: 2022-11-02. Review status: criteria provided, single submitter. Criteria: Invitae Variant Classification Sherloc (09022015). Collection method: clinical testing. Allele origin: germline.

GeneDx
Classification: Likely benign. Last evaluated: 2017-06-09. Review status: criteria provided, single submitter. Criteria: GeneDx Variant Classification (06012015). Collection method: clinical testing. Allele origin: germline. Affected: yes.
Comment: This variant is considered likely benign or benign based on one or more of the following criteria: it is a conservative change, it occurs at a poorly conserved position in the protein, it is predicted to be benign by multiple in silico algorithms, and/or has population frequency not consistent with disease.

NM_182961.4(SYNE1):c.310-449A>T

Gene: SYNE1 (spectrin repeat containing nuclear envelope protein 1; minus strand). Cytogenetic location: 6q25.2.
Variant type: single nucleotide variant.
Coding change: c.310-449A>T on transcript NM_182961.4 (MANE Select); 449 bases into the intron before coding-DNA position 310, A replaced by T.
Molecular consequence: intron variant.
Genome position (GRCh38, 1-based): chr6:152,511,552, T>A on the plus strand (A>T on the coding strand, the complement: SYNE1 is on the minus strand). VCF-style: chr6-152511552-T-A. GRCh37 (hg19) VCF-style: chr6-152832687-T-A.
Other names: c.330+19A>T (NM_033071.5).
Identifiers: ClinVar variation 517914 (VCV000517914.4), dbSNP rs759834506, ClinGen allele CA4059779.